The following is an entry in ClinVar:

ClinVar aggregate classification (germline): Uncertain significance (1 of 4 stars; one submission).

Conditions:
Osteogenesis imperfecta type I (OI1). Also called: Lobstein disease; OI, TYPE I; OSTEOGENESIS IMPERFECTA TARDA; OSTEOGENESIS IMPERFECTA WITH BLUE SCLERAE; Osteogenesis imperfecta type 1; Lobstein's Disease. Identifiers: Orphanet 216796, Orphanet 666, MedGen C0023931, MONDO:0008146, OMIM 166200. Disease mechanism: loss of function.
Ehlers-Danlos syndrome, classic type, 1 (EDSCL1). Also called: EDS I; EHLERS-DANLOS SYNDROME, GRAVIS TYPE; EHLERS-DANLOS SYNDROME, SEVERE CLASSIC TYPE; Ehlers-Danlos syndrome, type 1; Ehlers-Danlos Syndrome, Classic Type, COL5A1-Related. Identifiers: MedGen C0268335, MONDO:0019567, OMIM 130000.

Submission:

Labcorp Genetics (formerly Invitae), Labcorp
Classification: Uncertain significance for Osteogenesis imperfecta type I; Ehlers-Danlos syndrome, classic type, 1. Last evaluated: 2024-03-16. Review status: criteria provided, single submitter. Criteria: Invitae Variant Classification Sherloc (09022015). Collection method: clinical testing. Allele origin: germline.
Comment: This sequence change replaces lysine, which is basic and polar, with glutamic acid, which is acidic and polar, at codon 1157 of the COL1A2 protein (p.Lys1157Glu). This variant is not present in population databases (gnomAD no frequency). This variant has not been reported in the literature in individuals affected with COL1A2-related conditions. Advanced modeling of protein sequence and biophysical properties (such as structural, functional, and spatial information, amino acid conservation, physicochemical variation, residue mobility, and thermodynamic stability) performed at Invitae indicates that this missense variant is not expected to disrupt COL1A2 protein function with a negative predictive value of 80%. In summary, the available evidence is currently insufficient to determine the role of this variant in disease. Therefore, it has been classified as a Variant of Uncertain Significance.

NM_000089.4(COL1A2):c.3469A>G (p.Lys1157Glu)

Gene: COL1A2 (collagen type I alpha 2 chain; plus strand). Cytogenetic location: 7q21.3.
Variant type: single nucleotide variant.
Coding change: c.3469A>G on transcript NM_000089.4 (MANE Select); coding-DNA position 3469, A replaced by G.
Protein change: p.Lys1157Glu; replaces lysine 1157 with glutamic acid.
Molecular consequence: missense variant.
Genome position (GRCh38, 1-based): chr7:94,427,828, A>G. VCF-style: chr7-94427828-A-G. GRCh37 (hg19) VCF-style: chr7-94057140-A-G.
Other names: short protein forms K1157E.
Identifiers: ClinVar variation 2954292 (VCV002954292.3), dbSNP rs2484738836, ClinGen allele CA368226031.